The following is an entry in ClinVar:

ClinVar aggregate classification (germline): Pathogenic/Likely pathogenic. Review status: criteria provided, multiple submitters, no conflicts (2 of 4 stars). 5 submissions from 5 submitters: Pathogenic (4); Likely pathogenic (1). Last evaluated 2025-10-13.

Conditions:
Mitochondrial DNA depletion syndrome 6 (hepatocerebral type). Also called: NAVAJO NEUROPATHY; Navajo neurohepatopathy; Mitochondrial DNA depletion syndrome type 6. Identifiers: Orphanet 255229, MedGen C1850406, MONDO:0009747, OMIM 256810.
Charcot-Marie-Tooth disease, axonal, type 2EE. Also called: CHARCOT-MARIE-TOOTH NEUROPATHY, TYPE 2EE. Identifiers: MedGen C5193076, MONDO:0032728, OMIM 618400.

Submissions (5):

Mayo Clinic Laboratories, Mayo Clinic
Classification: Pathogenic. Last evaluated: 2025-10-13. Review status: criteria provided, single submitter. Criteria: ACMG Guidelines, 2015. Collection method: clinical testing. Allele origin: germline. Observed: 2 variant alleles.
Comment: PM2_supporting, PM3, PVS1

Fulgent Genetics
Classification: Likely pathogenic for Mitochondrial DNA depletion syndrome 6 (hepatocerebral type); Charcot-Marie-Tooth disease, axonal, type 2EE. Last evaluated: 2024-01-30. Review status: criteria provided, single submitter. Criteria: ACMG Guidelines, 2015. Collection method: clinical testing. Allele origin: germline.

Labcorp Genetics (formerly Invitae), Labcorp
Classification: Pathogenic. Last evaluated: 2024-01-24. Review status: criteria provided, single submitter. Criteria: Invitae Variant Classification Sherloc (09022015). Collection method: clinical testing. Allele origin: germline.
Comment: This sequence change creates a premature translational stop signal (p.Glu45Aspfs*8) in the MPV17 gene. It is expected to result in an absent or disrupted protein product. Loss-of-function variants in MPV17 are known to be pathogenic (PMID: 23714749). This variant is present in population databases (rs777604559, gnomAD 0.002%). This premature translational stop signal has been observed in individual(s) with mitochondrial DNA depletion syndrome (PMID: 23714749). ClinVar contains an entry for this variant (Variation ID: 214662). Algorithms developed to predict the effect of sequence changes on RNA splicing suggest that this variant may disrupt the consensus splice site. For these reasons, this variant has been classified as Pathogenic.

Baylor Genetics
Classification: Pathogenic for Charcot-Marie-Tooth disease, axonal, type 2EE. Last evaluated: 2023-12-22. Review status: criteria provided, single submitter. Criteria: ACMG Guidelines, 2015. Collection method: clinical testing. Allele origin: unknown.

GeneDx
Classification: Pathogenic. Last evaluated: 2014-06-03. Review status: criteria provided, single submitter. Criteria: GeneDx Variant Classification (06012015). Collection method: clinical testing. Allele origin: germline. Affected: yes.
Comment: c.135delA: p.Glu45AspfsX8 (E45DfsX8) in exon 3 of the MPV17 gene (NM_002437.4). The normal sequence with the base that is deleted in braces is: AGGA{A}CACC. The c.135delA mutation in the MPV17 gene has been reported previously in association with mitochondrial DNA depletion syndrome (Uusimaa et al., 2014). The deletion causes a frameshift starting with codon Glutamic Acid 45, changes this amino acid to an Aspartic Acid residue and creates a premature Stop codon at position 8 of the new reading frame, denoted p.Glu45AspfsX8. This mutation is predicted to cause loss of normal protein function either through protein truncation or nonsense-mediated mRNA decay. The variant is found in MITONUC-MITOP panel(s).

Literature cited by the submitters: PubMed 23714749 (cited by Mayo Clinic Laboratories, Mayo Clinic and Labcorp Genetics (formerly Invitae), Labcorp); PubMed 29282788 (cited by Mayo Clinic Laboratories, Mayo Clinic).

NM_002437.5(MPV17):c.135del (p.Glu45fs)

Gene: MPV17 (mitochondrial inner membrane protein MPV17; minus strand). Cytogenetic location: 2p23.3.
Variant type: Deletion.
Coding change: c.135del on transcript NM_002437.5 (MANE Select); coding-DNA position 135, one base deleted (A; older notation c.135delA).
Protein change: p.Glu45fs; shifts the reading frame from glutamic acid 45.
Molecular consequence: frameshift variant.
Genome position (GRCh38, 1-based): chr2:27,313,045, T deleted on the plus strand (A on the coding strand, the reverse complement: MPV17 is on the minus strand); the first of 2 consecutive T bases (chr2:27,313,045-27,313,046); deleting either gives the same sequence. VCF-style (leftmost placement, unchanged base first): chr2-27313044-GT-G. GRCh37 (hg19) VCF-style: chr2-27535911-GT-G.
Other names: p.Glu45Aspfs*8; c.135del (NM_002437.4); short protein forms E45fs.
Identifiers: ClinVar variation 214662 (VCV000214662.16), dbSNP rs777604559, ClinGen allele CA320803.
Genomic context (GRCh38, chr2:27,313,044, plus strand): 5'-GAGAACTTACCACAAAGCCACAGCCCAGGGACACCATGGTCAGAGTCCGGCCTCTCTGGT[GT>G]TCCTGCAGACCCCGCCTCTCCACCAGCTGCTGTGAGATAATGTCACCCAGGCCCATCAGG-3'